The following is an entry in ClinVar:

ClinVar aggregate classification (germline): Likely pathogenic. Review status: criteria provided, multiple submitters, no conflicts (2 of 4 stars). 2 submissions from 2 submitters: Likely pathogenic (2). Last evaluated 2024-11-16.

Conditions:
Ehlers-Danlos syndrome, classic type, 1 (EDSCL1). Also called: EHLERS-DANLOS SYNDROME, GRAVIS TYPE; EHLERS-DANLOS SYNDROME, SEVERE CLASSIC TYPE; Ehlers-Danlos syndrome, type 1; Ehlers-Danlos Syndrome, Classic Type, COL5A1-Related; EDS I. Identifiers: MedGen C0268335, MONDO:0019567, OMIM 130000.
Osteogenesis imperfecta type I (OI1). Also called: OI, TYPE I; OSTEOGENESIS IMPERFECTA TARDA; OSTEOGENESIS IMPERFECTA WITH BLUE SCLERAE; Osteogenesis imperfecta type 1; Lobstein's Disease; Lobstein disease. Identifiers: Orphanet 216796, Orphanet 666, MedGen C0023931, MONDO:0008146, OMIM 166200. Disease mechanism: loss of function.
COL1A2-related disorder. Also called: COL1A2-related condition; COL1A2-Related Disorders.

Submissions (2):

3billion
Classification: Likely pathogenic for COL1A2-related disorder. Last evaluated: 2024-11-16. Review status: criteria provided, single submitter. Criteria: ACMG Guidelines, 2015. Collection method: clinical testing. Allele origin: germline. Affected: yes.
Comment: The variant is not observed in the gnomAD v4.1.0 dataset. Predicted Consequence/Location: Missense variant. Missense changes are a common disease-causing mechanism. In silico tool predictions suggest damaging effect of the variant on gene or gene product [REVEL: 0.97 (>=0.6, sensitivity 0.68 and specificity 0.92); 3Cnet: 0.99 (>=0.6, sensitivity 0.72 and precision 0.9)]. Different missense changes at the same codon (p.Gly685Asp, p.Gly685Cys) have been reported as pathogenic/likely pathogenic with strong evidence (ClinVar ID: VCV000280567, VCV002953269). Therefore, this variant is classified as Likely pathogenic according to the recommendation of ACMG/AMP guideline.

Labcorp Genetics (formerly Invitae), Labcorp
Classification: Likely pathogenic for Osteogenesis imperfecta type I; Ehlers-Danlos syndrome, classic type, 1. Last evaluated: 2024-02-06. Review status: criteria provided, single submitter. Criteria: Invitae Variant Classification Sherloc (09022015). Collection method: clinical testing. Allele origin: germline.
Comment: This sequence change replaces glycine, which is neutral and non-polar, with serine, which is neutral and polar, at codon 685 of the COL1A2 protein (p.Gly685Ser). This variant is not present in population databases (gnomAD no frequency). This variant has not been reported in the literature in individuals affected with COL1A2-related conditions. Advanced modeling of protein sequence and biophysical properties (such as structural, functional, and spatial information, amino acid conservation, physicochemical variation, residue mobility, and thermodynamic stability) performed at Invitae indicates that this missense variant is expected to disrupt COL1A2 protein function with a positive predictive value of 95%. This variant disrupts the triple helix domain of COL1A2. Glycine residues within the Gly-Xaa-Yaa repeats of the triple helix domain are required for the structure and stability of fibrillar collagens (PMID: 7695699, 8218237, 19344236). In COL1A2, variants affecting these glycine residues are significantly enriched in individuals with disease (PMID: 9016532, 17078022) compared to the general population (ExAC). In summary, the currently available evidence indicates that the variant is pathogenic, but additional data are needed to prove that conclusively. Therefore, this variant has been classified as Likely Pathogenic.

Literature cited by the submitters: PubMed 7695699 (cited by Labcorp Genetics (formerly Invitae), Labcorp); PubMed 8218237 (cited by Labcorp Genetics (formerly Invitae), Labcorp); PubMed 19344236 (cited by Labcorp Genetics (formerly Invitae), Labcorp); PubMed 9016532 (cited by Labcorp Genetics (formerly Invitae), Labcorp); PubMed 17078022 (cited by Labcorp Genetics (formerly Invitae), Labcorp).

NM_000089.4(COL1A2):c.2053G>A (p.Gly685Ser)

Gene: COL1A2 (collagen type I alpha 2 chain; plus strand). Cytogenetic location: 7q21.3.
Variant type: single nucleotide variant.
Coding change: c.2053G>A on transcript NM_000089.4 (MANE Select); coding-DNA position 2053, G replaced by A.
Protein change: p.Gly685Ser; replaces glycine 685 with serine.
Molecular consequence: missense variant.
Genome position (GRCh38, 1-based): chr7:94,419,525, G>A. VCF-style: chr7-94419525-G-A. GRCh37 (hg19) VCF-style: chr7-94048837-G-A.
Other names: short protein forms G685S.
Identifiers: ClinVar variation 3754465 (VCV003754465.3).